The following is an entry in ClinVar:

NM_003937.3(KYNU):c.540A>G (p.Gly180=)

Gene: KYNU (kynureninase; plus strand). Cytogenetic location: 2q22.2.
Variant type: single nucleotide variant.
Coding change: c.540A>G on transcript NM_003937.3 (MANE Select); coding-DNA position 540, A replaced by G.
Protein change: p.Gly180=; no amino-acid change (glycine 180 retained).
Molecular consequence: synonymous variant.
Genome position (GRCh38, 1-based): chr2:142,957,673, A>G. VCF-style: chr2-142957673-A-G. GRCh37 (hg19) VCF-style: chr2-143715242-A-G.
Other names: c.540A>G, p.Gly180= (NM_001032998.2, NM_001199241.2).
Identifiers: ClinVar variation 5040068 (VCV005040068.1).

ClinVar aggregate classification (germline): Likely benign (1 of 4 stars; one submission).

gnomAD v4.1: 3 of 1,607,192 alleles (0.00019%); highest among the groups gnomAD compares: South Asian, 0.0033%; no homozygotes.

Submission:

CeGaT Center for Human Genetics Tuebingen
Classification: Likely benign. Last evaluated: 2026-07-01. Review status: criteria provided, single submitter. Criteria: CeGaT Center For Human Genetics Tuebingen Variant Classification Criteria Version 2. Collection method: clinical testing. Allele origin: germline. Affected: yes. Observed: 1 variant allele.
Comment: KYNU: BP4, BP7